The following is an entry in ClinVar:

ClinVar aggregate classification (germline): Benign. Review status: criteria provided, single submitter (1 of 4 stars). 2 submissions from 2 submitters: Benign (1). 1 of the submissions does not count toward it. Last evaluated 2025-08-17.

Conditions:
CCDC141-related disorder. Also called: CCDC141-related condition.

Allele frequency attached by ClinVar (database versions not stated): ExAC 0.00083; gnomAD 0.00271; TOPMed 0.00328; gnomAD exomes 0.00027; 1000 Genomes Project 0.00399; 1000 Genomes Project 30x 0.00390.
gnomAD v4.1: 818 of 1,550,532 alleles (0.053%); highest among the groups gnomAD compares: African/African-American, 0.84%; 2 homozygotes.

Submissions (2):

Labcorp Genetics (formerly Invitae), Labcorp
Classification: Benign. Last evaluated: 2025-08-17. Review status: criteria provided, single submitter. Criteria: Invitae Variant Classification Sherloc (09022015). Collection method: clinical testing. Allele origin: germline.

PreventionGenetics, part of Exact Sciences
Classification: Benign for CCDC141-related condition. Last evaluated: 2019-09-27. Review status: no assertion criteria provided. Collection method: clinical testing. Allele origin: germline. Not counted in ClinVar's aggregate classification.
Comment: This variant is classified as benign based on ACMG/AMP sequence variant interpretation guidelines (Richards et al. 2015 PMID: 25741868, with internal and published modifications).

NM_173648.4(CCDC141):c.665G>A (p.Arg222His)

Gene: CCDC141 (coiled-coil domain containing 141; minus strand). Cytogenetic location: 2q31.2.
Variant type: single nucleotide variant.
Coding change: c.665G>A on transcript NM_173648.4 (MANE Select); coding-DNA position 665, G replaced by A.
Protein change: p.Arg222His; replaces arginine 222 with histidine.
Molecular consequence: missense variant.
Genome position (GRCh38, 1-based): chr2:178,961,345, C>T on the plus strand (G>A on the coding strand, the complement: CCDC141 is on the minus strand). VCF-style: chr2-178961345-C-T. GRCh37 (hg19) VCF-style: chr2-179826072-C-T.
Other names: c.665G>A, p.Arg222His (NM_001316745.2); c.665G>A (NM_173648.3); short protein forms R222H.
Identifiers: ClinVar variation 2848832 (VCV002848832.5), dbSNP rs61744343, ClinGen allele CA2007309.
Genomic context (GRCh38, chr2:178,961,345, plus strand): 5'-CACTGTTGCTTCAAGTACTTGTCTAGTTGTCTTCTCCTGTCTTGTAGAAGTTCAAGAAGG[C>T]GGTCAACCTTCAGACAGCTGCTATGAGCTCCCTGAGTCAACTCAGGATTCACATTAGGTC-3'
Protein context (NP_775919.3, residues 212-232): GAHSSCLKVD[Arg222His]LLELLQDRRR